The following is an entry in ClinVar:

ClinVar aggregate classification (germline): Uncertain significance. Review status: criteria provided, multiple submitters, no conflicts (2 of 4 stars). 3 submissions from 3 submitters: Uncertain significance (3). Last evaluated 2025-12-11.

Allele frequency attached by ClinVar (database versions not stated): TOPMed 0.00005; gnomAD 0.00006; gnomAD exomes 0.00007; ExAC 0.00008; 1000 Genomes Project 30x 0.00016; 1000 Genomes Project 0.00020.
gnomAD v4.1: 39 of 1,614,084 alleles (0.0024%); highest among the groups gnomAD compares: Admixed American, 0.018%; no homozygotes.

Submissions (3):

Ambry Genetics
Classification: Uncertain significance. Last evaluated: 2025-12-11. Review status: criteria provided, single submitter. Criteria: Ambry Variant Classification Scheme 2023. Collection method: clinical testing. Allele origin: germline.

GeneDx
Classification: Uncertain significance. Last evaluated: 2024-03-27. Review status: criteria provided, single submitter. Criteria: GeneDx Variant Classification Process June 2021. Collection method: clinical testing. Allele origin: germline. Affected: yes.
Comment: In silico analysis supports that this missense variant does not alter protein structure/function; Has not been previously published as pathogenic or benign to our knowledge; In silico analysis is inconclusive as to whether the variant alters gene splicing. In the absence of RNA/functional studies, the actual effect of this sequence change is unknown.

Labcorp Genetics (formerly Invitae), Labcorp
Classification: Uncertain significance. Last evaluated: 2021-06-10. Review status: criteria provided, single submitter. Criteria: Invitae Variant Classification Sherloc (09022015). Collection method: clinical testing. Allele origin: germline.
Comment: In summary, the available evidence is currently insufficient to determine the role of this variant in disease. Therefore, it has been classified as a Variant of Uncertain Significance. Algorithms developed to predict the effect of missense changes on protein structure and function (SIFT, PolyPhen-2, Align-GVGD) all suggest that this variant is likely to be tolerated, but these predictions have not been confirmed by published functional studies and their clinical significance is uncertain. This variant has not been reported in the literature in individuals with UQCRC2-related conditions. This variant is present in population databases (rs529456792, ExAC 0.03%). This sequence change replaces asparagine with serine at codon 139 of the UQCRC2 protein (p.Asn139Ser). The asparagine residue is moderately conserved and there is a small physicochemical difference between asparagine and serine.

NM_003366.4(UQCRC2):c.416A>G (p.Asn139Ser)

Genes: PDZD9 (PDZ domain containing 9), UQCRC2 (ubiquinol-cytochrome c reductase core protein 2). Cytogenetic location: 16p12.2.
Variant type: single nucleotide variant.
Coding change: c.416A>G on transcript NM_003366.4 (MANE Select); coding-DNA position 416, A replaced by G.
Protein change: p.Asn139Ser; replaces asparagine 139 with serine.
Molecular consequence: missense variant.
Genome position (GRCh38, 1-based): chr16:21,962,787, A>G. VCF-style: chr16-21962787-A-G. GRCh37 (hg19) VCF-style: chr16-21974108-A-G.
Other names: c.416A>G (NM_003366.2); short protein forms N139S.
Identifiers: ClinVar variation 1412534 (VCV001412534.10), dbSNP rs529456792, ClinGen allele CA7953748.